The following is an entry in ClinVar:

NM_000038.6(APC):c.8464A>G (p.Ser2822Gly)

Gene: APC (APC regulator of Wnt signaling pathway; plus strand). Cytogenetic location: 5q22.2.
Variant type: single nucleotide variant.
Coding change: c.8464A>G on transcript NM_000038.6 (MANE Select); coding-DNA position 8464, A replaced by G.
Protein change: p.Ser2822Gly; replaces serine 2822 with glycine.
Molecular consequence: missense variant.
Genome position (GRCh38, 1-based): chr5:112,844,058, A>G. VCF-style: chr5-112844058-A-G. GRCh37 (hg19) VCF-style: chr5-112179755-A-G.
Other names: c.8464A>G, p.Ser2822Gly (NM_001127510.3, NM_001354895.2); c.8410A>G, p.Ser2804Gly (NM_001127511.3); c.8518A>G, p.Ser2840Gly (NM_001354896.2); c.8494A>G, p.Ser2832Gly (NM_001354897.2); c.8389A>G, p.Ser2797Gly (NM_001354898.2); c.8380A>G, p.Ser2794Gly (NM_001354899.2); c.8341A>G, p.Ser2781Gly (NM_001354900.2); c.8287A>G, p.Ser2763Gly (NM_001354901.2); and 5 more; short protein forms S2804G, S2822G, S2840G, S2539G, S2696G, S2731G, S2763G, S2781G.
Identifiers: ClinVar variation 470144 (VCV000470144.11), dbSNP rs1554089167, ClinGen allele CA16039692.

ClinVar aggregate classification (germline): Uncertain significance. Review status: criteria provided, multiple submitters, no conflicts (2 of 4 stars). 2 submissions from 2 submitters: Uncertain significance (2). Last evaluated 2025-05-06.

Conditions:
Hereditary cancer-predisposing syndrome. Also called: Hereditary neoplastic syndrome; Neoplastic Syndromes, Hereditary; Tumor predisposition; Hereditary Cancer Syndrome. Identifiers: Orphanet 140162, MedGen C0027672, MeSH D009386, MONDO:0015356.
Familial adenomatous polyposis 1 (FAP1). Also called: POLYPOSIS, ADENOMATOUS INTESTINAL; FAMILIAL ADENOMATOUS POLYPOSIS 1, ATTENUATED. Identifiers: MedGen C2713442, MONDO:0021056, OMIM 175100. Disease mechanism: loss of function.

Submissions (2):

Ambry Genetics
Classification: Uncertain significance for Hereditary cancer-predisposing syndrome. Last evaluated: 2025-05-06. Review status: criteria provided, single submitter. Criteria: Ambry Variant Classification Scheme 2023. Collection method: clinical testing. Allele origin: germline.
Comment: The p.S2822G variant (also known as c.8464A>G), located in coding exon 15 of the APC gene, results from an A to G substitution at nucleotide position 8464. The serine at codon 2822 is replaced by glycine, an amino acid with similar properties. This amino acid position is conserved. In addition, in silico predictors for this gene do not accurately predict pathogenicity. Based on the available evidence, the clinical significance of this variant remains unclear.

Labcorp Genetics (formerly Invitae), Labcorp
Classification: Uncertain significance for Familial adenomatous polyposis 1. Last evaluated: 2017-05-03. Review status: criteria provided, single submitter. Criteria: Invitae Variant Classification Sherloc (09022015). Collection method: clinical testing. Allele origin: germline.
Comment: In summary, this variant is a novel missense change that is not predicted to affect protein function. There is no indication that it causes disease, but the available evidence is currently insufficient to prove that conclusively. Therefore, it has been classified as a Variant of Uncertain Significance. Algorithms developed to predict the effect of missense changes on protein structure and function output the following: SIFT: "Tolerated"; PolyPhen-2: "Benign"; Align-GVGD: "Class C0". The glycine amino acid residue is found in multiple mammalian species, suggesting that this missense change does not adversely affect protein function. These predictions have not been confirmed by published functional studies. This variant is not present in population databases (ExAC no frequency) and has not been reported in the literature in individuals with an APC-related disease. This sequence change replaces serine with glycine at codon 2822 of the APC protein (p.Ser2822Gly). The serine residue is weakly conserved and there is a small physicochemical difference between serine and glycine.